The following is an entry in ClinVar:

ClinVar aggregate classification (germline): Uncertain significance. Review status: criteria provided, multiple submitters, no conflicts (2 of 4 stars). 4 submissions from 4 submitters: Uncertain significance (4). Last evaluated 2025-01-11.

Conditions:
Inborn genetic diseases. Identifiers: MedGen C0950123, MeSH D030342.

Allele frequency attached by ClinVar (database versions not stated): gnomAD exomes 0.00003 and 0.00007; gnomAD 0.00004; TOPMed 0.00004; ExAC 0.00006.
gnomAD v4.1: 50 of 1,613,586 alleles (0.0031%); highest among the groups gnomAD compares: Admixed American, 0.018%; no homozygotes.

Submissions (4):

Labcorp Genetics (formerly Invitae), Labcorp
Classification: Uncertain significance. Last evaluated: 2025-01-11. Review status: criteria provided, single submitter. Criteria: Invitae Variant Classification Sherloc (09022015). Collection method: clinical testing. Allele origin: germline.
Comment: This sequence change replaces alanine, which is neutral and non-polar, with valine, which is neutral and non-polar, at codon 254 of the SLC25A19 protein (p.Ala254Val). This variant is present in population databases (rs756957854, gnomAD 0.03%). This variant has not been reported in the literature in individuals affected with SLC25A19-related conditions. ClinVar contains an entry for this variant (Variation ID: 501915). An algorithm developed to predict the effect of missense changes on protein structure and function outputs the following: PolyPhen-2: "Benign". The valine amino acid residue is found in multiple mammalian species, which suggests that this missense change does not adversely affect protein function. In summary, the available evidence is currently insufficient to determine the role of this variant in disease. Therefore, it has been classified as a Variant of Uncertain Significance.

GeneDx
Classification: Uncertain significance. Last evaluated: 2022-07-05. Review status: criteria provided, single submitter. Criteria: GeneDx Variant Classification Process June 2021. Collection method: clinical testing. Allele origin: germline. Affected: yes.
Comment: In silico analysis supports that this missense variant does not alter protein structure/function; Has not been previously published as pathogenic or benign to our knowledge

Ambry Genetics
Classification: Uncertain significance for Inborn genetic diseases. Last evaluated: 2022-04-22. Review status: criteria provided, single submitter. Criteria: Ambry Variant Classification Scheme 2023. Collection method: clinical testing. Allele origin: germline.

Eurofins Ntd Llc (ga)
Classification: Uncertain significance. Last evaluated: 2017-05-15. Review status: criteria provided, single submitter. Criteria: EGL Classification Definitions 2015. Collection method: clinical testing. Allele origin: germline. Observed: 1 variant allele, 1 heterozygote.

NM_001126121.2(SLC25A19):c.761C>T (p.Ala254Val)

Gene: SLC25A19 (solute carrier family 25 member 19; minus strand). Cytogenetic location: 17q25.1.
Variant type: single nucleotide variant.
Coding change: c.761C>T on transcript NM_001126121.2 (MANE Select); coding-DNA position 761, C replaced by T.
Protein change: p.Ala254Val; replaces alanine 254 with valine.
Molecular consequence: missense variant.
Genome position (GRCh38, 1-based): chr17:75,277,366, G>A on the plus strand (C>T on the coding strand, the complement: SLC25A19 is on the minus strand). VCF-style: chr17-75277366-G-A. GRCh37 (hg19) VCF-style: chr17-73273447-G-A.
Other names: c.761C>T, p.Ala254Val (NM_001126122.2, NM_021734.5); short protein forms A254V.
Identifiers: ClinVar variation 501915 (VCV000501915.10), dbSNP rs756957854, ClinGen allele CA8760896.
Genomic context (GRCh38, chr17:75,277,366, plus strand): 5'-AGTGATGGCAAGGGTCAGAGCTGTCTGCCTGGGAGTGAACGGCTCACCTGGCCAAAGGCA[G>A]CTCTGGCATGCTCAAACCCTCCAACCTGTAGCCGCTTCTTGAAGAGGTCCAGCGGATATG-3'
Protein context (NP_001119593.1, residues 244-264): LQVGGFEHAR[Ala254Val]AFGQVRRYKG